The following is an entry in ClinVar:

NM_138711.6(PPARG):c.925T>C (p.Leu309=)

Gene: PPARG (peroxisome proliferator activated receptor gamma; plus strand). Cytogenetic location: 3p25.2.
Variant type: single nucleotide variant.
Coding change: c.925T>C on transcript NM_138711.6 (MANE Select); coding-DNA position 925, T replaced by C.
Protein change: p.Leu309=; no amino-acid change (leucine 309 retained).
Molecular consequence: synonymous variant. On other transcripts: intron variant (5).
Genome position (GRCh38, 1-based): chr3:12,416,899, T>C. VCF-style: chr3-12416899-T-C. GRCh37 (hg19) VCF-style: chr3-12458398-T-C.
Other names: c.925T>C, p.Leu309= (NM_001354666.3, NM_001354667.3, NM_001374263.2 and 3 more transcripts); c.298T>C, p.Leu100= (NM_001354669.2); c.1015T>C, p.Leu339= (NM_015869.5); c.729+10818T>C (NM_001374261.3, NM_001374262.3, NM_001330615.4); c.653+10900T>C (NM_001374266.1); c.819+10818T>C (NM_001374265.1).
Identifiers: ClinVar variation 3351332 (VCV003351332.1).
Genomic context (GRCh38, chr3:12,416,899, plus strand): 5'-GAGGCTGTGCAGGAGATCACAGAGTATGCCAAAAGCATTCCTGGTTTTGTAAATCTTGAC[T>C]TGAACGACCAAGTAACTCTCCTCAAATATGGAGTCCACGAGATCATTTACACAATGCTGG-3'
Protein context (NP_619725.3, residues 299-319): KSIPGFVNLD[Leu309=]NDQVTLLKYG

ClinVar aggregate classification (germline): Likely benign (0 of 4 stars; one submission).

Conditions:
PPARG-related disorder. Also called: PPARG-related disorders; PPARG-related condition.

gnomAD v4.1: 2 of 1,614,130 alleles (0.00012%); highest among the groups gnomAD compares: Admixed American, 0.0033%; no homozygotes.

Submission:

PreventionGenetics, part of Exact Sciences
Classification: Likely benign for PPARG-related condition. Last evaluated: 2022-10-19. Review status: no assertion criteria provided. Collection method: clinical testing. Allele origin: germline.
Comment: This variant is classified as likely benign based on ACMG/AMP sequence variant interpretation guidelines (Richards et al. 2015 PMID: 25741868, with internal and published modifications).